The following is an entry in ClinVar:

NM_001365999.1(SZT2):c.1340G>C (p.Trp447Ser)

Gene: SZT2 (SZT2 subunit of KICSTOR complex; plus strand). Cytogenetic location: 1p34.2.
Variant type: single nucleotide variant.
Coding change: c.1340G>C on transcript NM_001365999.1 (MANE Select); coding-DNA position 1340, G replaced by C.
Protein change: p.Trp447Ser; replaces tryptophan 447 with serine.
Molecular consequence: missense variant.
Genome position (GRCh38, 1-based): chr1:43,420,827, G>C. VCF-style: chr1-43420827-G-C. GRCh37 (hg19) VCF-style: chr1-43886498-G-C.
Other names: c.1340G>C, p.Trp447Ser (NM_015284.4); short protein forms W447S.
Identifiers: ClinVar variation 836567 (VCV000836567.10), dbSNP rs898198722, ClinGen allele CA21629144.

ClinVar aggregate classification (germline): Uncertain significance (1 of 4 stars; one submission).

Submission:

Labcorp Genetics (formerly Invitae), Labcorp
Classification: Uncertain significance. Last evaluated: 2019-12-25. Review status: criteria provided, single submitter. Criteria: Invitae Variant Classification Sherloc (09022015). Collection method: clinical testing. Allele origin: germline.
Comment: In summary, the available evidence is currently insufficient to determine the role of this variant in disease. Therefore, it has been classified as a Variant of Uncertain Significance. Algorithms developed to predict the effect of missense changes on protein structure and function are either unavailable or do not agree on the potential impact of this missense change (SIFT: "Deleterious"; PolyPhen-2: "Probably Damaging"; Align-GVGD: "Class C0"). This variant has not been reported in the literature in individuals with SZT2-related conditions. This variant is not present in population databases (ExAC no frequency). This sequence change replaces tryptophan with serine at codon 447 of the SZT2 protein (p.Trp447Ser). The tryptophan residue is weakly conserved and there is a large physicochemical difference between tryptophan and serine.